The following is an entry in ClinVar:

NM_003051.4(SLC16A1):c.1282G>A (p.Val428Ile)

Gene: SLC16A1 (solute carrier family 16 member 1; minus strand). Cytogenetic location: 1p13.2.
Variant type: single nucleotide variant.
Coding change: c.1282G>A on transcript NM_003051.4 (MANE Select); coding-DNA position 1282, G replaced by A.
Protein change: p.Val428Ile; replaces valine 428 with isoleucine.
Molecular consequence: missense variant.
Genome position (GRCh38, 1-based): chr1:112,914,112, C>T on the plus strand (G>A on the coding strand, the complement: SLC16A1 is on the minus strand). VCF-style: chr1-112914112-C-T. GRCh37 (hg19) VCF-style: chr1-113456734-C-T.
Other names: c.1282G>A, p.Val428Ile (NM_001166496.2); short protein forms V428I.
Identifiers: ClinVar variation 733619 (VCV000733619.12), dbSNP rs536012651, ClinGen allele CA1011271.

ClinVar aggregate classification (germline): Benign/Likely benign. Review status: criteria provided, multiple submitters, no conflicts (2 of 4 stars). 2 submissions from 2 submitters: Benign (1); Likely benign (1). Last evaluated 2026-01-20.

Conditions:
Exercise-induced hyperinsulinism (HHF7). Identifiers: Orphanet 165991, MedGen C1864902, MONDO:0012396, OMIM 610021.

Allele frequency attached by ClinVar (database versions not stated): gnomAD 0.00048 and 0.00060; TOPMed 0.00075; ExAC 0.00109; 1000 Genomes Project 30x 0.00234; 1000 Genomes Project 0.00260.
gnomAD v4.1: 489 of 1,614,160 alleles (0.03%); highest among the groups gnomAD compares: East Asian, 0.8%; 8 homozygotes.

Submissions (2):

Labcorp Genetics (formerly Invitae), Labcorp
Classification: Benign. Last evaluated: 2026-01-20. Review status: criteria provided, single submitter. Criteria: Invitae Variant Classification Sherloc (09022015). Collection method: clinical testing. Allele origin: germline.

Illumina Laboratory Services, Illumina
Classification: Likely benign for Exercise-induced hyperinsulinism. Last evaluated: 2017-04-27. Review status: criteria provided, single submitter. Criteria: ICSL Variant Classification Criteria 13 December 2019. Collection method: clinical testing. Allele origin: germline.
Comment: This variant was observed as part of a predisposition screen in an ostensibly healthy population. A literature search was performed for the gene, cDNA change, and amino acid change (where applicable). Publications were found based on this search. The evidence from the literature, in combination with allele frequency data from public databases where available, was sufficient to determine this variant is unlikely to cause disease. Therefore, this variant is classified as likely benign.

Literature cited by the submitters: PubMed 19881260 (cited by Illumina Laboratory Services, Illumina); PubMed 26595136 (cited by Illumina Laboratory Services, Illumina); PubMed 25371203 (cited by Illumina Laboratory Services, Illumina).